The following is an entry in ClinVar:

ClinVar aggregate classification (germline): Likely pathogenic (1 of 4 stars; one submission).

Conditions:
Fanconi anemia (FA). Also called: Fanconi's anemia. Identifiers: Orphanet 84, MedGen C0015625, MeSH D005199, MONDO:0019391.

Submission:

Women's Health and Genetics/Laboratory Corporation of America, LabCorp
Classification: Likely pathogenic for Fanconi anemia. Last evaluated: 2022-06-01. Review status: criteria provided, single submitter. Criteria: LabCorp Variant Classification Summary - May 2015. Collection method: clinical testing. Allele origin: germline.
Comment: Variant summary: The variant identified by MLPA or other technology involves the deletion of exons 1-18 in the FANCD2 gene, which includes the initiation codon located within exon 2. A presumed nomenclature of c.(?_-121)_(1656+1_1657-1)del has been designated for the purposes of this classification. The variant was absent in 20856 control chromosomes (gnomAD, Structural Variants dataset). A similar deletion variant has been reported in the literature in a compound heterozygous individual affected with Fanconi Anemia (Deniskin_2019). To our knowledge, no experimental evidence demonstrating an impact on protein function has been reported. A ClinVar submitter (evaluation after 2014) cites the variant as uncertain significance, while another ClinVar submitter (evaluation after 2014) cites it as pathogenic. Based on the evidence outlined above, the variant was classified as likely pathogenic.

Literature cited by the submitters: PubMed 30713837.

NC_000003.11:g.(?_10068070)_(10094182_10101977)del

Gene: FANCD2 (FA complementation group D2; plus strand). Cytogenetic location: 3p25.3.
Variant type: Deletion.
Identifiers: ClinVar variation 1698580 (VCV001698580.1).